The following is an entry in ClinVar:

NM_000256.3(MYBPC3):c.1544A>G (p.Asn515Ser)

Gene: MYBPC3 (myosin binding protein C3; minus strand). Cytogenetic location: 11p11.2.
Variant type: single nucleotide variant.
Coding change: c.1544A>G on transcript NM_000256.3 (MANE Select); coding-DNA position 1544, A replaced by G.
Protein change: p.Asn515Ser; replaces asparagine 515 with serine.
Molecular consequence: missense variant.
Genome position (GRCh38, 1-based): chr11:47,342,658, T>C on the plus strand (A>G on the coding strand, the complement: MYBPC3 is on the minus strand). VCF-style: chr11-47342658-T-C. GRCh37 (hg19) VCF-style: chr11-47364209-T-C.
Other names: short protein forms N515S.
Identifiers: ClinVar variation 36602 (VCV000036602.37), dbSNP rs181834806, ClinGen allele CA010609.

ClinVar aggregate classification (germline): Conflicting classifications of pathogenicity. Review status: criteria provided, conflicting classifications (1 of 4 stars). 14 submissions from 13 submitters: Uncertain significance (2); Benign (2); Likely benign (10). Last evaluated 2026-09-21.

Conditions:
MYBPC3-related disorder. Also called: MYBPC3-related condition; MYBPC3-related disease; MYBPC3-related disorders.
Cardiovascular phenotype. Identifiers: MedGen CN230736.
Left ventricular noncompaction 10 (LVNC10). Identifiers: Orphanet 154, Orphanet 54260, MedGen C3715165, MONDO:0014163, OMIM 615396.
Cardiomyopathy (CMYO). Also called: Cardiomyopathies. Identifiers: Orphanet 167848, MedGen C0878544, MONDO:0004994, HP:0001638. Inheritance: Various modes of inheritance.
Hypertrophic cardiomyopathy 4. Also called: Familial hypertrophic cardiomyopathy 4. Identifiers: MedGen C1861862, MONDO:0007268, OMIM 115197.
Hypertrophic cardiomyopathy. Also called: HYPERTROPHIC MYOCARDIOPATHY. Identifiers: Orphanet 217569, MedGen C0007194, MeSH D002312, MONDO:0005045, HP:0001639.

Allele frequency attached by ClinVar (database versions not stated): gnomAD exomes 0.00010 and 0.00005; 1000 Genomes Project 0.00120; 1000 Genomes Project 30x 0.00141; ExAC 0.00014; ESP Exome Variant Server 0.00023; TOPMed 0.00034; gnomAD 0.00039 and 0.00041.
gnomAD v4.1: 138 of 1,614,000 alleles (0.0086%); highest among the groups gnomAD compares: African/African-American, 0.17%; no homozygotes.

Submissions (14):

Molecular Diagnostic Laboratory for Inherited Cardiovascular Disease, Montreal Heart Institute
Classification: Likely benign. Last evaluated: 2026-09-21. Review status: criteria provided, single submitter. Criteria: ACMG Guidelines, 2015. Collection method: clinical testing. Allele origin: germline. Affected: no.
Comment: BS1;BP4;BP6

Labcorp Genetics (formerly Invitae), Labcorp
Classification: Likely benign for Hypertrophic cardiomyopathy. Last evaluated: 2026-02-03. Review status: criteria provided, single submitter. Criteria: Invitae Variant Classification Sherloc (09022015). Collection method: clinical testing. Allele origin: germline.

Women's Health and Genetics/Laboratory Corporation of America, LabCorp
Classification: Likely benign. Last evaluated: 2025-07-24. Review status: criteria provided, single submitter. Criteria: LabCorp Variant Classification Summary - May 2015. Collection method: clinical testing. Allele origin: germline.
Comment: Variant summary: MYBPC3 c.1544A>G (p.Asn515Ser) results in a conservative amino acid change located in the Immunoglobulin subtype 2 domain (IPR003598) of the encoded protein sequence. Algorithms developed to predict the effect of missense changes on protein structure and function are either unavailable or do not agree on the potential impact of this missense change. The variant allele was found at a frequency of 0.0001 in 250110 control chromosomes, predominantly at a frequency of 0.0015 within the African or African-American subpopulation in the gnomAD database. The observed variant frequency within African or African-American control individuals in the gnomAD database is approximately 1.5 fold of the estimated maximal expected allele frequency for a pathogenic variant in MYBPC3 causing Hypertrophic Cardiomyopathy phenotype (0.001). c.1544A>G has been reported in the literature in individuals who did not meet the diagnostic criteria for Hypertrophic Cardiomyopathy (Bick_2012) and as a VUS in settings of multigene panel testing in cohorts of patients with dilated cardiomyopathy (DCM) (Verdonschot_2020). To our knowledge, no experimental evidence demonstrating an impact on protein function has been reported. The following publications have been ascertained in the context of this evaluation (PMID: 22763267, 22958901, 24510615, 32880476, 34097875). ClinVar contains an entry for this variant (Variation ID: 36602). Based on the evidence outlined above, the variant was classified as likely benign.

PreventionGenetics, part of Exact Sciences
Classification: Likely benign for MYBPC3-related condition. Last evaluated: 2025-03-08. Review status: criteria provided, single submitter. Criteria: ACMG Guidelines, 2015. Collection method: clinical testing. Allele origin: germline.
Comment: This variant is classified as likely benign based on ACMG/AMP sequence variant interpretation guidelines (Richards et al. 2015 PMID: 25741868, with internal and published modifications).

Blueprint Genetics
Classification: Likely benign. Last evaluated: 2023-02-13. Review status: criteria provided, single submitter. Criteria: ACMG Guidelines, 2015. Collection method: clinical testing. Allele origin: germline.

CHEO Genetics Diagnostic Laboratory, Children's Hospital of Eastern Ontario
Classification: Benign for Cardiomyopathy. Last evaluated: 2022-05-16. Review status: criteria provided, single submitter. Criteria: ACMG Guidelines, 2015. Collection method: clinical testing. Allele origin: germline.

Ambry Genetics
Classification: Benign for Cardiovascular phenotype. Last evaluated: 2021-09-03. Review status: criteria provided, single submitter. Criteria: Ambry Variant Classification Scheme 2023. Collection method: clinical testing. Allele origin: germline.

ARUP Laboratories, Molecular Genetics and Genomics, ARUP Laboratories
Classification: Likely benign. Last evaluated: 2021-07-21. Review status: criteria provided, single submitter. Criteria: ARUP Molecular Germline Variant Investigation Process 2021. Collection method: clinical testing. Allele origin: germline.

GeneDx
Classification: Likely benign. Last evaluated: 2019-10-25. Review status: criteria provided, single submitter. Criteria: GeneDx Variant Classification Process June 2021. Collection method: clinical testing. Allele origin: germline. Affected: yes.
Comment: This variant is associated with the following publications: (PMID: 22763267, 22958901, 24510615, 32880476)

Illumina Laboratory Services, Illumina
Classification: Likely benign for Left ventricular noncompaction 10. Last evaluated: 2019-01-21. Review status: criteria provided, single submitter. Criteria: ICSL Variant Classification Criteria 13 December 2019. Collection method: clinical testing. Allele origin: germline.
Comment: This variant was observed as part of a predisposition screen in an ostensibly healthy population. A literature search was performed for the gene, cDNA change, and amino acid change (where applicable). No publications were found based on this search. Allele frequency data from public databases allowed determination this variant is unlikely to cause disease. Therefore, this variant is classified as likely benign.

Illumina Laboratory Services, Illumina
Classification: Likely benign for Hypertrophic cardiomyopathy 4. Last evaluated: 2019-01-21. Review status: criteria provided, single submitter. Criteria: ICSL Variant Classification Criteria 13 December 2019. Collection method: clinical testing. Allele origin: germline.
Comment: This variant was observed as part of a predisposition screen in an ostensibly healthy population. A literature search was performed for the gene, cDNA change, and amino acid change (where applicable). Publications were found based on this search. The evidence from the literature, in combination with allele frequency data from public databases where available, was sufficient to determine this variant is unlikely to cause disease. Therefore, this variant is classified as likely benign.

Equipe Genetique des Anomalies du Developpement, Université de Bourgogne
Classification: Uncertain significance for Left ventricular noncompaction 10. Last evaluated: 2018-11-21. Review status: criteria provided, single submitter. Criteria: ACMG Guidelines, 2015. Collection method: clinical testing. Allele origin: unknown.

Color Diagnostics, LLC DBA Color Health
Classification: Likely benign for Cardiomyopathy. Last evaluated: 2018-10-20. Review status: criteria provided, single submitter. Criteria: ACMG Guidelines, 2015. Collection method: clinical testing. Allele origin: germline.

Laboratory for Molecular Medicine, Mass General Brigham Personalized Medicine
Classification: Uncertain significance. Last evaluated: 2012-07-17. Review status: criteria provided, single submitter. Criteria: LMM Criteria. Collection method: clinical testing. Allele origin: germline. Observed: 4 variant alleles.
Comment: The Asn515Ser variant in MYBPC3 has been identified in 3/4338 African American c hromosomes from a broad population by the NHLBI Exome Sequencing Project (dbSNP rs181834806). This frequency is too low to rul e out a role in disease. Our laboratory has detected this variant in 3 individua ls (1 adult individual with HCM and 2 individuals with early onset HCM or HCM + additional congenital heart defects). Of these, 2 individuals were of Black ance stry, which is consistent with the above results by the NHLBI Exome Sequencing P roject (see above). Computational analyses (biochemical amino acid properties, c onservation, AlignGVGD, PolyPhen2, and SIFT) do not provide strong support for o r against an impact to the protein. However, asparagine (Asn) at position 515 is highly conserved across evolutionarily distant species, increasing the likeliho od that an amino acid change would not be tolerated. In summary, additional info rmation is needed to fully assess the clinical significance of this variant.

Literature cited by the submitters: PubMed 22763267 (cited by Women's Health and Genetics/Laboratory Corporation of America, LabCorp and Ambry Genetics); PubMed 22958901 (cited by Women's Health and Genetics/Laboratory Corporation of America, LabCorp and Ambry Genetics); PubMed 24510615 (cited by 3 submitters); PubMed 32880476 (cited by Women's Health and Genetics/Laboratory Corporation of America, LabCorp and Ambry Genetics); PubMed 34097875 (cited by Women's Health and Genetics/Laboratory Corporation of America, LabCorp).